The following is an entry in ClinVar:

ClinVar aggregate classification (germline): Uncertain significance. Review status: criteria provided, multiple submitters, no conflicts (2 of 4 stars). 2 submissions from 2 submitters: Uncertain significance (2). Last evaluated 2024-06-06.

Conditions:
Hereditary cancer-predisposing syndrome. Also called: Neoplastic Syndromes, Hereditary; Tumor predisposition; Hereditary Cancer Syndrome; Hereditary neoplastic syndrome. Identifiers: Orphanet 140162, MedGen C0027672, MeSH D009386, MONDO:0015356.
Gastrointestinal stromal tumor. Also called: Gastrointestinal stromal tumor, somatic; Gastrointestinal stroma tumor. Identifiers: Orphanet 44890, MedGen C0238198, MeSH D046152, MONDO:0011719, OMIM 606764, HP:0100723.

Allele frequency attached by ClinVar (database versions not stated): gnomAD exomes below 0.00001; ExAC 0.00001; ESP Exome Variant Server 0.00008.
gnomAD v4.1: 1 of 1,614,052 alleles (0.000062%); highest among the groups gnomAD compares: Non-Finnish European, 0.000085%; no homozygotes.

Submissions (2):

Ambry Genetics
Classification: Uncertain significance for Hereditary cancer-predisposing syndrome. Last evaluated: 2024-06-06. Review status: criteria provided, single submitter. Criteria: Ambry Variant Classification Scheme 2023. Collection method: clinical testing. Allele origin: germline.
Comment: The p.I307V variant (also known as c.919A>G), located in coding exon 5 of the PDGFRA gene, results from an A to G substitution at nucleotide position 919. The isoleucine at codon 307 is replaced by valine, an amino acid with highly similar properties. This amino acid position is conserved. In addition, this alteration is predicted to be tolerated by in silico analysis. Based on the available evidence, the clinical significance of this variant remains unclear.

Labcorp Genetics (formerly Invitae), Labcorp
Classification: Uncertain significance for Gastrointestinal stromal tumor. Last evaluated: 2022-03-04. Review status: criteria provided, single submitter. Criteria: Invitae Variant Classification Sherloc (09022015). Collection method: clinical testing. Allele origin: germline.
Comment: This sequence change replaces isoleucine, which is neutral and non-polar, with valine, which is neutral and non-polar, at codon 307 of the PDGFRA protein (p.Ile307Val). This variant is present in population databases (rs371882159, gnomAD 0.0009%). This variant has not been reported in the literature in individuals affected with PDGFRA-related conditions. ClinVar contains an entry for this variant (Variation ID: 847097). Algorithms developed to predict the effect of missense changes on protein structure and function (SIFT, PolyPhen-2, Align-GVGD) all suggest that this variant is likely to be tolerated. In summary, the available evidence is currently insufficient to determine the role of this variant in disease. Therefore, it has been classified as a Variant of Uncertain Significance.

NM_006206.6(PDGFRA):c.919A>G (p.Ile307Val)

Gene: PDGFRA (platelet derived growth factor receptor alpha; plus strand). Cytogenetic location: 4q12.
Variant type: single nucleotide variant.
Coding change: c.919A>G on transcript NM_006206.6 (MANE Select); coding-DNA position 919, A replaced by G.
Protein change: p.Ile307Val; replaces isoleucine 307 with valine.
Molecular consequence: missense variant.
Genome position (GRCh38, 1-based): chr4:54,267,448, A>G. VCF-style: chr4-54267448-A-G. GRCh37 (hg19) VCF-style: chr4-55133615-A-G.
Other names: c.919A>G, p.Ile307Val (NM_001347827.2, NM_001347829.2); c.994A>G, p.Ile332Val (NM_001347828.2); c.958A>G, p.Ile320Val (NM_001347830.2); short protein forms I307V, I332V, I320V.
Identifiers: ClinVar variation 847097 (VCV000847097.9), dbSNP rs371882159, ClinGen allele CA2922418.